The following is an entry in ClinVar:

ClinVar aggregate classification (germline): Uncertain significance. Review status: criteria provided, multiple submitters, no conflicts (2 of 4 stars). 2 submissions from 2 submitters: Uncertain significance (2). Last evaluated 2025-08-21.

Conditions:
Inborn genetic diseases. Identifiers: MedGen C0950123, MeSH D030342.

Submissions (2):

Ambry Genetics
Classification: Uncertain significance for Inborn genetic diseases. Last evaluated: 2025-08-21. Review status: criteria provided, single submitter. Criteria: Ambry Variant Classification Scheme 2023. Collection method: clinical testing. Allele origin: germline.

Labcorp Genetics (formerly Invitae), Labcorp
Classification: Uncertain significance. Last evaluated: 2024-11-12. Review status: criteria provided, single submitter. Criteria: Invitae Variant Classification Sherloc (09022015). Collection method: clinical testing. Allele origin: germline.
Comment: This sequence change replaces arginine, which is basic and polar, with histidine, which is basic and polar, at codon 158 of the SLC4A11 protein (p.Arg158His). This variant is present in population databases (rs751298338, gnomAD 0.01%). This variant has not been reported in the literature in individuals affected with SLC4A11-related conditions. Invitae Evidence Modeling of protein sequence and biophysical properties (such as structural, functional, and spatial information, amino acid conservation, physicochemical variation, residue mobility, and thermodynamic stability) indicates that this missense variant is not expected to disrupt SLC4A11 protein function with a negative predictive value of 95%. In summary, the available evidence is currently insufficient to determine the role of this variant in disease. Therefore, it has been classified as a Variant of Uncertain Significance.

NM_001174089.2(SLC4A11):c.425G>A (p.Arg142His)

Gene: SLC4A11 (solute carrier family 4 member 11; minus strand). Cytogenetic location: 20p13.
Variant type: single nucleotide variant.
Coding change: c.425G>A on transcript NM_001174089.2 (MANE Select); coding-DNA position 425, G replaced by A.
Protein change: p.Arg142His; replaces arginine 142 with histidine.
Molecular consequence: missense variant. On other transcripts: non-coding transcript variant (3).
Genome position (GRCh38, 1-based): chr20:3,234,181, C>T on the plus strand (G>A on the coding strand, the complement: SLC4A11 is on the minus strand). VCF-style: chr20-3234181-C-T. GRCh37 (hg19) VCF-style: chr20-3214827-C-T.
Other names: c.554G>A, p.Arg185His (NM_001174090.2, NM_001400280.1); c.425G>A, p.Arg142His (NM_001363745.2); c.368G>A, p.Arg123His (NM_001400277.1, NM_001400278.1, NM_001400279.1); c.473G>A, p.Arg158His (NM_032034.4); c.473G>A (NM_032034.3); short protein forms R142H, R185H, R123H, R158H.
Identifiers: ClinVar variation 3703253 (VCV003703253.2).